The following is an entry in ClinVar:

NM_005993.5(TBCD):c.2419G>A (p.Glu807Lys)

Gene: TBCD (tubulin folding cofactor D). Cytogenetic location: 17q25.3.
Variant type: single nucleotide variant.
Coding change: c.2419G>A on transcript NM_005993.5 (MANE Select); coding-DNA position 2419, G replaced by A.
Protein change: p.Glu807Lys; replaces glutamic acid 807 with lysine.
Molecular consequence: missense variant.
Genome position (GRCh38, 1-based): chr17:82,926,439, G>A. VCF-style: chr17-82926439-G-A. GRCh37 (hg19) VCF-style: chr17-80884315-G-A.
Other names: c.2419G>A (NM_005993.4); short protein forms E807K.
Identifiers: ClinVar variation 1510324 (VCV001510324.16), dbSNP rs199644299, ClinGen allele CA8863047.
Genomic context (GRCh38, chr17:82,926,439, plus strand): 5'-TGATTCTTTATTGCTTTCCAGGTTCTCACAGGTTTAAGAGCAGTTACCCACACTTCCCCC[G>A]AGGACGTAAGTTTTGCTGAGTCCAGGAGAGACGGCTTGAAGGCCATTGCGAGGTGAGTCC-3'
Protein context (NP_005984.3, residues 797-817): GLRAVTHTSP[Glu807Lys]DVSFAESRRD

ClinVar aggregate classification (germline): Conflicting classifications of pathogenicity. Review status: criteria provided, conflicting classifications (1 of 4 stars). 5 submissions from 5 submitters: Uncertain significance (1); Likely benign (4). Last evaluated 2026-03-01.

Conditions:
Inborn genetic diseases. Identifiers: MedGen C0950123, MeSH D030342.

Allele frequency attached by ClinVar (database versions not stated): 1000 Genomes Project 0.00020; 1000 Genomes Project 30x 0.00031; gnomAD 0.00062 and 0.00065; gnomAD exomes 0.00067 and 0.00089; ExAC 0.00073; TOPMed 0.00073; ESP Exome Variant Server 0.00074.
gnomAD v4.1: 1,362 of 1,613,980 alleles (0.084%); highest among the groups gnomAD compares: Non-Finnish European, 0.1%; no homozygotes.

Submissions (6):

CeGaT Center for Human Genetics Tuebingen
Classification: Likely benign. Last evaluated: 2026-03-01. Review status: criteria provided, single submitter. Criteria: CeGaT Center For Human Genetics Tuebingen Variant Classification Criteria Version 2. Collection method: clinical testing. Allele origin: germline. Affected: yes. Observed: 1 variant allele.
Comment: TBCD: BP4

Labcorp Genetics (formerly Invitae), Labcorp
Classification: Likely benign. Last evaluated: 2026-01-31. Review status: criteria provided, single submitter. Criteria: Invitae Variant Classification Sherloc (09022015). Collection method: clinical testing. Allele origin: germline.

Women's Health and Genetics/Laboratory Corporation of America, LabCorp
Classification: Likely benign. Last evaluated: 2026-01-20. Review status: criteria provided, single submitter. Criteria: LabCorp Variant Classification Summary - May 2015. Collection method: clinical testing. Allele origin: germline.
Comment: Variant summary: TBCD c.2419G>A (p.Glu807Lys) results in a conservative amino acid change in the encoded protein sequence. Algorithms developed to predict the effect of missense changes on protein structure and function all suggest that this variant is likely to be tolerated. The variant allele was found at a frequency of 0.00085 in 1607006 control chromosomes, predominantly at a frequency of 0.001 within the Non-Finnish European subpopulation in the gnomAD database. c.2419G>A has been observed in an individual affected with an overlapping neurological phenotype, however no convincing evidence for causality was presented (e.g. Di Bella_2021). To our knowledge, no experimental evidence demonstrating an impact on protein function has been reported. However, sequence comparison with other vertebrate species indicates the variant is located to a moderately conserved region, and the Glu to Lys substitution at this codon is phylogenetically not constrained (e.g. PMID 29358731). The following publication has been ascertained in the context of this evaluation (PMID: 33190326). ClinVar contains an entry for this variant (Variation ID: 1510324). Based on the evidence outlined above, the variant was classified as likely benign.

Blueprint Genetics
Classification: Uncertain significance. Last evaluated: 2024-11-21. Review status: criteria provided, single submitter. Criteria: ACMG Guidelines, 2015. Collection method: clinical testing. Allele origin: germline.

Ambry Genetics
Classification: Likely benign for Inborn genetic diseases. Last evaluated: 2022-09-17. Review status: criteria provided, single submitter. Criteria: Ambry Variant Classification Scheme 2023. Collection method: clinical testing. Allele origin: germline.

Dr. Peter K. Rogan Lab, Western University
No classification provided (evidence only). Condition: Malignant tumor of urinary bladder. Review status: no classification provided. Collection method: in vitro. Allele origin: not applicable. Functional consequence: retained intron. Not counted in ClinVar's aggregate classification.

Literature cited by the submitters: PubMed 33190326 (cited by Women's Health and Genetics/Laboratory Corporation of America, LabCorp).